The following is an entry in ClinVar:

NM_144666.3(DNHD1):c.4041C>A (p.Ser1347Arg)

Gene: DNHD1 (dynein heavy chain domain 1; plus strand). Cytogenetic location: 11p15.4.
Variant type: single nucleotide variant.
Coding change: c.4041C>A on transcript NM_144666.3 (MANE Select); coding-DNA position 4041, C replaced by A.
Protein change: p.Ser1347Arg; replaces serine 1347 with arginine.
Molecular consequence: missense variant.
Genome position (GRCh38, 1-based): chr11:6,544,980, C>A. VCF-style: chr11-6544980-C-A. GRCh37 (hg19) VCF-style: chr11-6566210-C-A.
Other names: short protein forms S1347R.
Identifiers: ClinVar variation 493088 (VCV000493088.48), dbSNP rs189772244, ClinGen allele CA5855966.

ClinVar aggregate classification (germline): Conflicting classifications of pathogenicity. Review status: criteria provided, conflicting classifications (1 of 4 stars). 3 submissions from 3 submitters: Uncertain significance (1); Likely benign (2). Last evaluated 2026-08-01.

Allele frequency attached by ClinVar (database versions not stated): 1000 Genomes Project 30x 0.00062; TOPMed 0.00079; 1000 Genomes Project 0.00060.
gnomAD v4.1: 1,571 of 1,551,718 alleles (0.1%); highest among the groups gnomAD compares: Non-Finnish European, 0.1%; 3 homozygotes.

Submissions (3):

CeGaT Center for Human Genetics Tuebingen
Classification: Likely benign. Last evaluated: 2026-08-01. Review status: criteria provided, single submitter. Criteria: CeGaT Center For Human Genetics Tuebingen Variant Classification Criteria Version 2. Collection method: clinical testing. Allele origin: germline. Affected: yes. Observed: 3 variant alleles.
Comment: DNHD1: BP4

Ambry Genetics
Classification: Uncertain significance. Last evaluated: 2021-06-18. Review status: criteria provided, single submitter. Criteria: Ambry Variant Classification Scheme 2023. Collection method: clinical testing. Allele origin: germline.

Labcorp Genetics (formerly Invitae), Labcorp
Classification: Likely benign. Last evaluated: 2019-12-31. Review status: criteria provided, single submitter. Criteria: Invitae Variant Classification Sherloc (09022015). Collection method: clinical testing. Allele origin: germline.